The following is an entry in ClinVar:

ClinVar aggregate classification (germline): Uncertain significance. Review status: criteria provided, multiple submitters, no conflicts (2 of 4 stars). 2 submissions from 2 submitters: Uncertain significance (2). Last evaluated 2025-09-02.

Conditions:
Inborn genetic diseases. Identifiers: MedGen C0950123, MeSH D030342.

Allele frequency attached by ClinVar (database versions not stated): gnomAD 0.00001.

Submissions (2):

Labcorp Genetics (formerly Invitae), Labcorp
Classification: Uncertain significance. Last evaluated: 2025-09-02. Review status: criteria provided, single submitter. Criteria: Invitae Variant Classification Sherloc (09022015). Collection method: clinical testing. Allele origin: germline.
Comment: This sequence change replaces isoleucine, which is neutral and non-polar, with valine, which is neutral and non-polar, at codon 1503 of the PCLO protein (p.Ile1503Val). This variant is present in population databases (no rsID available, gnomAD 0.007%). This variant has not been reported in the literature in individuals affected with PCLO-related conditions. ClinVar contains an entry for this variant (Variation ID: 1383138). An algorithm developed to predict the effect of missense changes on protein structure and function outputs the following: PolyPhen-2: "Not Available". The valine amino acid residue is found in multiple mammalian species, which suggests that this missense change does not adversely affect protein function. In summary, the available evidence is currently insufficient to determine the role of this variant in disease. Therefore, it has been classified as a Variant of Uncertain Significance.

Ambry Genetics
Classification: Uncertain significance for Inborn genetic diseases. Last evaluated: 2025-05-17. Review status: criteria provided, single submitter. Criteria: Ambry Variant Classification Scheme 2023. Collection method: clinical testing. Allele origin: germline.

NM_033026.6(PCLO):c.4507A>G (p.Ile1503Val)

Gene: PCLO (piccolo presynaptic cytomatrix protein; minus strand). Cytogenetic location: 7q21.11.
Variant type: single nucleotide variant.
Coding change: c.4507A>G on transcript NM_033026.6 (MANE Select); coding-DNA position 4507, A replaced by G.
Protein change: p.Ile1503Val; replaces isoleucine 1503 with valine.
Molecular consequence: missense variant.
Genome position (GRCh38, 1-based): chr7:82,956,446, T>C on the plus strand (A>G on the coding strand, the complement: PCLO is on the minus strand). VCF-style: chr7-82956446-T-C. GRCh37 (hg19) VCF-style: chr7-82585762-T-C.
Other names: c.4507A>G (NM_033026.5); c.4507A>G, p.Ile1503Val (NM_014510.3); short protein forms I1503V.
Identifiers: ClinVar variation 1383138 (VCV001383138.7), dbSNP rs779343480, ClinGen allele CA367926612.